The following is an entry in ClinVar:

ClinVar aggregate classification (germline): Uncertain significance (1 of 4 stars; one submission).

Submission:

Labcorp Genetics (formerly Invitae), Labcorp
Classification: Uncertain significance. Last evaluated: 2025-11-03. Review status: criteria provided, single submitter. Criteria: Invitae Variant Classification Sherloc (09022015). Collection method: clinical testing. Allele origin: germline.
Comment: This sequence change replaces proline, which is neutral and non-polar, with serine, which is neutral and polar, at codon 3303 of the KMT2A protein (p.Pro3303Ser). This variant is present in population databases (rs782600535, gnomAD 0.0009%). This variant has not been reported in the literature in individuals affected with KMT2A-related conditions. ClinVar contains an entry for this variant (Variation ID: 2778877). Invitae Evidence Modeling of protein sequence and biophysical properties (such as structural, functional, and spatial information, amino acid conservation, physicochemical variation, residue mobility, and thermodynamic stability) indicates that this missense variant is not expected to disrupt KMT2A protein function with a negative predictive value of 95%. In summary, the available evidence is currently insufficient to determine the role of this variant in disease. Therefore, it has been classified as a Variant of Uncertain Significance.

NM_001197104.2(KMT2A):c.9907C>T (p.Pro3303Ser)

Gene: KMT2A (lysine methyltransferase 2A; plus strand). Cytogenetic location: 11q23.3.
Variant type: single nucleotide variant.
Coding change: c.9907C>T on transcript NM_001197104.2 (MANE Select); coding-DNA position 9907, C replaced by T.
Protein change: p.Pro3303Ser; replaces proline 3303 with serine.
Molecular consequence: missense variant.
Genome position (GRCh38, 1-based): chr11:118,505,799, C>T. VCF-style: chr11-118505799-C-T. GRCh37 (hg19) VCF-style: chr11-118376514-C-T.
Other names: c.9997C>T, p.Pro3333Ser (NM_001412597.1); c.9898C>T, p.Pro3300Ser (NM_005933.4); short protein forms P3333S, P3300S, P3303S.
Identifiers: ClinVar variation 2778877 (VCV002778877.3), dbSNP rs782600535, ClinGen allele CA6304650.
Genomic context (GRCh38, chr11:118,505,799, plus strand): 5'-CGAACTGTCCCCAACATCATAAAAAGATCTAAATCTAGCATCATGTATTTTGAACCGGCA[C>T]CCCTGTTACCACAGAGTGTGGGAGGAACTGCTGCCACAGCGGCAGGCACATCAACAATAA-3'
Protein context (NP_001184033.1, residues 3293-3313): KSSIMYFEPA[Pro3303Ser]LLPQSVGGTA